The following is an entry in ClinVar:

ClinVar aggregate classification (germline): Pathogenic. Review status: criteria provided, multiple submitters, no conflicts (2 of 4 stars). 6 submissions from 6 submitters: Pathogenic (5). 1 of the submissions does not count toward it. Last evaluated 2025-04-24.

Conditions:
Maple syrup urine disease (MSUD). Identifiers: Orphanet 511, MedGen C0024776, MeSH D008375, MONDO:0009563. Disease mechanism: loss of function.
Maple syrup urine disease type 1A (MSUD1A). Also called: MSUD type 1A. Identifiers: MedGen C1855369, MONDO:0023691, OMIM 248600.

Submissions (6):

Natera, Inc.
Classification: Pathogenic for Maple syrup urine disease type 1A. Last evaluated: 2025-04-24. Review status: criteria provided, single submitter. Criteria: Natera Variant Classification Schema (03/2026). Collection method: clinical testing. Allele origin: germline.
Comment: The c.661_664delTACG variant in BCKDHA is a frameshift variant predicted to shift the reading frame beginning at codon 221 and leads to a stop codon 108 codons downstream. This variant is expected to result in nonsense mediated decay, truncation, or a dysfunctional protein product. This variant is rare in the general population with a frequency below the threshold expected for the associated phenotype(s). This variant has been observed in one or more individuals affected with the associated recessive disease, as either homozygous or compound heterozygous with a second variant (PMID: 28417071, 35799415). Given the available evidence, this variant is classified as Pathogenic.

Baylor Genetics
Classification: Pathogenic for Maple syrup urine disease type 1A. Last evaluated: 2023-07-17. Review status: criteria provided, single submitter. Criteria: ACMG Guidelines, 2015. Collection method: clinical testing. Allele origin: unknown.

Labcorp Genetics (formerly Invitae), Labcorp
Classification: Pathogenic for Maple syrup urine disease. Last evaluated: 2023-04-12. Review status: criteria provided, single submitter. Criteria: Invitae Variant Classification Sherloc (09022015). Collection method: clinical testing. Allele origin: germline.
Comment: ClinVar contains an entry for this variant (Variation ID: 203638). For these reasons, this variant has been classified as Pathogenic. This premature translational stop signal has been observed in individual(s) with autosomal recessive maple syrup urine disease (PMID: 28417071). This variant is not present in population databases (gnomAD no frequency). This sequence change creates a premature translational stop signal (p.Tyr221Glnfs*108) in the BCKDHA gene. It is expected to result in an absent or disrupted protein product. Loss-of-function variants in BCKDHA are known to be pathogenic (PMID: 16786533, 22593002).

GeneDx
Classification: Pathogenic. Last evaluated: 2017-02-15. Review status: criteria provided, single submitter. Criteria: GeneDx Variant Classification (06012015). Collection method: clinical testing. Allele origin: germline. Affected: yes.
Comment: The c.661_664delTACG pathogenic variant in the BCKDHA gene causes a frameshift starting with codon Tyrosine 221, changes this amino acid to a Glutamine residue and creates a premature Stop codon at position 108 of the new reading frame, denoted p.Tyr221GlnfsX108. This pathogenic variant is predicted to cause loss of normal protein function either through protein truncation or nonsense-mediated mRNA decay. Although this pathogenic variant has not been previously reported to our knowledge, its presence is consistent with a diagnosis of maple syrup urine disease.

National Newborn Screening Laboratory, Hospital Nacional de Niños
Classification: Pathogenic for Maple syrup urine disease type 1A. Review status: criteria provided, single submitter. Criteria: ACMG Guidelines, 2015. Collection method: clinical testing. Allele origin: maternal. Inheritance: Autosomal recessive inheritance. Affected: yes. Observed: 1 compound heterozygote. Segregation with disease observed.
Comment: This is a frame-shift variant in the BCKDHA gene, for which loss of function is a known disease mechanism. This variant results in a truncated protein by creating a premature stop codon. It is not present in population databases (GnomAD exomes, GnomAD genomes). This variant has one publication associated with an individual with MSUD phenotype (PMID: 28417071).

Bioscientia Institut fuer Medizinische Diagnostik GmbH, Sonic Healthcare
Classification: Likely pathogenic for Maple syrup urine disease type 1A. Review status: no assertion criteria provided. Collection method: clinical testing. Allele origin: germline. Affected: yes. Not counted in ClinVar's aggregate classification.

Literature cited by the submitters: PubMed 28417071 (cited by 3 submitters); PubMed 35799415 (cited by Natera, Inc.); PubMed 16786533 (cited by Labcorp Genetics (formerly Invitae), Labcorp); PubMed 22593002 (cited by Labcorp Genetics (formerly Invitae), Labcorp).

NM_000709.4(BCKDHA):c.661_664del (p.Tyr221fs)

Gene: BCKDHA (branched chain keto acid dehydrogenase E1 subunit alpha; plus strand). Cytogenetic location: 19q13.2.
Variant type: Deletion.
Coding change: c.661_664del on transcript NM_000709.4 (MANE Select); coding-DNA positions 661 to 664, 4 bases deleted (TACG; older notation c.661_664delTACG).
Protein change: p.Tyr221fs; shifts the reading frame from tyrosine 221.
Molecular consequence: frameshift variant.
Genome position (GRCh38, 1-based): chr19:41,422,178-41,422,181, TACG deleted; deleting any 4 consecutive bases within chr19:41,422,176-41,422,181 gives the same sequence; the c. name uses the placement nearest the transcript's 3' end. VCF-style (leftmost placement, unchanged base first): chr19-41422175-GCGTA-G. GRCh37 (hg19) VCF-style: chr19-41928080-GCGTA-G.
Other names: c.661_664del, p.Tyr221fs (NM_001164783.2); c.661_664del (NM_001164783.1); short protein forms Y221fs.
Identifiers: ClinVar variation 203638 (VCV000203638.10), dbSNP rs796051938, ClinGen allele CA312364.